The following is an entry in ClinVar:

NM_024675.4(PALB2):c.3128G>C (p.Gly1043Ala)

Gene: PALB2 (partner and localizer of BRCA2; minus strand). Cytogenetic location: 16p12.2.
Variant type: single nucleotide variant.
Coding change: c.3128G>C on transcript NM_024675.4 (MANE Select); coding-DNA position 3128, G replaced by C.
Protein change: p.Gly1043Ala; replaces glycine 1043 with alanine.
Molecular consequence: missense variant.
Genome position (GRCh38, 1-based): chr16:23,614,077, C>G on the plus strand (G>C on the coding strand, the complement: PALB2 is on the minus strand). VCF-style: chr16-23614077-C-G. GRCh37 (hg19) VCF-style: chr16-23625398-C-G.
Other names: short protein forms G1043A.
Identifiers: ClinVar variation 126716 (VCV000126716.43), dbSNP rs377713277, ClinGen allele CA168501.

ClinVar aggregate classification (germline): Conflicting classifications of pathogenicity. Review status: criteria provided, conflicting classifications (1 of 4 stars). 15 submissions from 15 submitters: Uncertain significance (11); Benign (1); Likely benign (1). 2 of the submissions do not count toward it. Last evaluated 2026-02-10.

Conditions:
PALB2-related disorder. Also called: PALB2-related disorders; PALB2-related condition.
Hereditary cancer-predisposing syndrome. Also called: Neoplastic Syndromes, Hereditary; Tumor predisposition; Hereditary Cancer Syndrome; Hereditary neoplastic syndrome. Identifiers: Orphanet 140162, MedGen C0027672, MeSH D009386, MONDO:0015356.
Familial cancer of breast. Also called: hereditary breast carcinoma; Hereditary breast cancer; BREAST CANCER, FAMILIAL. Identifiers: Orphanet 227535, MedGen C0346153, MONDO:0016419, OMIM 114480. Disease mechanism: loss of function.
Fanconi anemia complementation group N. Also called: PALB2-Related Fanconi Anemia. Identifiers: Orphanet 84, MedGen C1835817, MONDO:0012565, OMIM 610832. Disease mechanism: loss of function.
Pancreatic cancer, susceptibility to, 3. Identifiers: Orphanet 1333, MedGen C3150547, MONDO:0013236, OMIM 613348.

Allele frequency attached by ClinVar (database versions not stated): gnomAD 0.00001; TOPMed 0.00001; ExAC 0.00002; gnomAD exomes 0.00002 and 0.00003; ESP Exome Variant Server 0.00008.
gnomAD v4.1: 42 of 1,610,970 alleles (0.0026%); highest among the groups gnomAD compares: Non-Finnish European, 0.0036%; no homozygotes.

Submissions 1 to 9 of 15:

PreventionGenetics, part of Exact Sciences
Classification: Uncertain significance for PALB2-related condition. Last evaluated: 2026-02-10. Review status: criteria provided, single submitter. Criteria: ACMG Guidelines, 2015. Collection method: clinical testing. Allele origin: germline.
Comment: The PALB2 c.3128G>C variant is predicted to result in the amino acid substitution p.Gly1043Ala. This variant was identified in individuals with breast cancer and in controls (Hellebrand et al. 2011. PubMed ID: 21618343; Hofstatter et al. 2011. PubMed ID: 21365267; Thompson et al. 2015. PubMed ID: 26283626; Damiola et al. 2015. PubMed ID: 26564480). This variant was also reported in an individual with ovarian cancer (Ramus et al. 2015. PubMed ID: 26315354). Experimental studies are conflicting where one study showed this variant is functional but another study showed partial impaired function (Wiltshire et al. 2019. PubMed ID: 31636395; Rodrigue et al. 2019. PubMed ID: 31586400). This variant is reported in 0.0035% of alleles in individuals of European (Non-Finnish) descent in gnomAD and has conflicting interpretations in ClinVar ranging from uncertain to benign (Variation ID: 126716). At this time, the clinical significance of this variant is uncertain due to the absence of conclusive functional and genetic evidence.

Ambry Genetics
Classification: Uncertain significance for Hereditary cancer-predisposing syndrome. Last evaluated: 2025-06-13. Review status: criteria provided, single submitter. Criteria: Ambry Variant Classification Scheme 2023. Collection method: clinical testing. Allele origin: germline.
Comment: The p.G1043A variant (also known as c.3128G>C), located in coding exon 11 of the PALB2 gene, results from a G to C substitution at nucleotide position 3128. The glycine at codon 1043 is replaced by alanine, an amino acid with similar properties. This variant is located in the carboxy-terminal WD40-repeat motif of the PALB2 protein, near the region where BRCA2 binds across a hydrophobic pocket of PALB2 (codons 1053&ndash;1057) (Oliver AW et al. EMBO Rep. 2009 Sep; 10(9):990-6; Hofstatter EW et al. Fam Cancer. 2011 Jun; 10(2):225-31). This alteration was found to be functional in a homology-directed DNA repair (HDR) assay (Wiltshire T et al. Genet. Med. 2020 Mar;22:622-632). Whereas another group performed multiple functional studies and demonstrated that this alteration leads to intermediate functional defects; specifically, this alteration was found to have an intermediate recombination defect with reduced HDR activity of 50% compared to the wildtype control, despite normal nuclear localization and modest decrease of RAD51 foci (Rodrigue A et al. Nucleic Acids Res. 2019 11;47:10662-10677). This alteration has been reported in multiple cohorts of patients with a personal and/or family history of breast and/or ovarian cancer; however, this alteration was also identified in healthy controls (Hofstatter EW et al. Fam Cancer. 2011 Jun; 10(2):225-31; Thompson ER et al. Breast Cancer Res. 2015 Aug;17:111; Damiola F et al. Breast Cancer Res. Treat. 2015 Dec;154(3):463-71; Kanchi KL et al. Nat Commun. 2014;5:3156; Dorling et al. N Engl J Med, 2021 02;384:428-439; Lerner-Ellis J et al. J Cancer Res Clin Oncol 2021 Mar;147(3):871-879; Gonzalez A et al, Breast Cancer Res Treat 2022 Jul;194(2):403-412). This variant did not co-segregate with disease in one breast cancer family reported in published literature; This amino acid position is highly conserved in available vertebrate species. In addition, the in silico prediction for this alteration is inconclusive. Since supporting evidence is limited at this time, the clinical significance of this alteration remains unclear.

GeneDx
Classification: Uncertain significance. Last evaluated: 2025-03-16. Review status: criteria provided, single submitter. Criteria: GeneDx Variant Classification Process June 2021. Collection method: clinical testing. Allele origin: germline. Affected: yes.
Comment: In silico analysis supports that this missense variant has a deleterious effect on protein structure/function; Not observed at significant frequency in large population cohorts (gnomAD); This variant is associated with the following publications: (PMID: 26564480, 26315354, 21365267, 21618343, 25186627, 26283626, 31586400, 31636395, 33195396, 33471991, 31422574, 30303537, 24448499, 24485656, 19609323, 20871615, 35610400)

Labcorp Genetics (formerly Invitae), Labcorp
Classification: Uncertain significance for Familial cancer of breast. Last evaluated: 2025-01-23. Review status: criteria provided, single submitter. Criteria: Invitae Variant Classification Sherloc (09022015). Collection method: clinical testing. Allele origin: germline.
Comment: This sequence change replaces glycine, which is neutral and non-polar, with alanine, which is neutral and non-polar, at codon 1043 of the PALB2 protein (p.Gly1043Ala). This variant is present in population databases (rs377713277, gnomAD 0.004%). This missense change has been observed in individual(s) with breast cancer and ovarian cancer (PMID: 21365267, 21618343, 26283626, 26315354, 26564480). ClinVar contains an entry for this variant (Variation ID: 126716). Invitae Evidence Modeling of protein sequence and biophysical properties (such as structural, functional, and spatial information, amino acid conservation, physicochemical variation, residue mobility, and thermodynamic stability) indicates that this missense variant is expected to disrupt PALB2 protein function with a positive predictive value of 80%. Experimental studies are conflicting or provide insufficient evidence to determine the effect of this variant on PALB2 function (PMID: 31586400, 31636395). In summary, the available evidence is currently insufficient to determine the role of this variant in disease. Therefore, it has been classified as a Variant of Uncertain Significance.

Myriad Genetics, Inc.
Classification: Benign for Familial cancer of breast. Last evaluated: 2025-01-21. Review status: criteria provided, single submitter. Criteria: Myriad Autosomal Dominant, Autosomal Recessive and X-Linked Classification Criteria (2023). Collection method: clinical testing. Allele origin: unknown.
Comment: This variant is considered benign. This variant has been observed in trans with a known pathogenic variant in one or more individuals lacking clinical features consistent with gene-specific recessive disease. This variant is strongly associated with less severe personal and family histories of cancer, typical for individuals without pathogenic variants in this gene [PMID: 25085752].

Quest Diagnostics Nichols Institute San Juan Capistrano
Classification: Uncertain significance. Last evaluated: 2024-12-06. Review status: criteria provided, single submitter. Criteria: Quest Diagnostics criteria. Collection method: clinical testing. Allele origin: unknown.
Comment: The PALB2 c.3128G>C (p.Gly1043Ala) variant has been reported in the published literature in individuals with breast cancer (PMID: 35610400 (2022), 32885271 (2021), 26564480 (2015), 26283626 (2015), 25186627 (2015)), ovarian cancer (PMID: 26315354 (2015)), and pancreatic cancer (PMID: 21365267 (2011)). This variant has also been identified in reportedly healthy individuals (PMID: 33471991 (2021), 30303537 (2019), see also LOVD). Assessment of experimental evidence regarding the effect of this variant on protein function is inconclusive (PMID: 31636395 (2020), 31586400 (2019)). The frequency of this variant in the general population (Genome Aggregation Database) is uninformative in the assessment of its pathogenicity. Analysis of this variant using bioinformatics tools for the prediction of the effect of amino acid changes on protein structure and function yielded conflicting predictions that this variant is benign or damaging. Based on the available information, we are unable to determine the clinical significance of this variant.

Color Diagnostics, LLC DBA Color Health
Classification: Likely benign for Hereditary cancer-predisposing syndrome. Last evaluated: 2024-09-24. Review status: criteria provided, single submitter. Criteria: ACMG Guidelines, 2015. Collection method: clinical testing. Allele origin: germline.

Baylor Genetics
Classification: Uncertain significance for Familial cancer of breast. Last evaluated: 2023-10-30. Review status: criteria provided, single submitter. Criteria: ACMG Guidelines, 2015. Collection method: clinical testing. Allele origin: unknown.

Fulgent Genetics
Classification: Uncertain significance for Familial cancer of breast; Fanconi anemia complementation group N; Pancreatic cancer, susceptibility to, 3. Last evaluated: 2022-04-22. Review status: criteria provided, single submitter. Criteria: ACMG Guidelines, 2015. Collection method: clinical testing. Allele origin: unknown.